The following is an entry in ClinVar:

NM_012241.5(SIRT5):c.884C>T (p.Thr295Met)

Gene: SIRT5 (sirtuin 5; plus strand). Cytogenetic location: 6p23.
Variant type: single nucleotide variant.
Coding change: c.884C>T on transcript NM_012241.5 (MANE Select); coding-DNA position 884, C replaced by T.
Protein change: p.Thr295Met; replaces threonine 295 with methionine.
Molecular consequence: missense variant. On other transcripts: nonsense (2), 3 prime UTR variant (3), non-coding transcript variant (2).
Genome position (GRCh38, 1-based): chr6:13,611,816, C>T. VCF-style: chr6-13611816-C-T. GRCh37 (hg19) VCF-style: chr6-13612048-C-T.
Other names: c.830C>T, p.Thr277Met (NM_001193267.2); c.560C>T, p.Thr187Met (NM_001242827.1, NM_001376812.1); c.884C>T, p.Thr295Met (NM_001376798.1, NM_001376799.1, NM_001376800.1 and 7 more transcripts); c.760C>T, p.Arg254Ter (NM_001376809.1, NM_001376810.1); c.767C>T, p.Thr256Met (NM_001376811.1); c.*66C>T (NM_001376813.1, NM_001376814.1, NM_001376815.1); short protein forms R254*, T187M, T256M, T277M, T295M.
Identifiers: ClinVar variation 3053909 (VCV003053909.2), dbSNP rs550780850, ClinGen allele CA3640660.

ClinVar aggregate classification (germline): Likely benign (0 of 4 stars; one submission).

Conditions:
SIRT5-related disorder. Also called: SIRT5-related condition.

Allele frequency attached by ClinVar (database versions not stated): gnomAD exomes 0.00011; gnomAD 0.00017; TOPMed 0.00020; ExAC 0.00028; 1000 Genomes Project 30x 0.00031; 1000 Genomes Project 0.00040.
gnomAD v4.1: 202 of 1,613,904 alleles (0.013%); highest among the groups gnomAD compares: South Asian, 0.14%; 3 homozygotes.

Submission:

PreventionGenetics, part of Exact Sciences
Classification: Likely benign for SIRT5-related condition. Last evaluated: 2022-03-21. Review status: no assertion criteria provided. Collection method: clinical testing. Allele origin: germline.
Comment: This variant is classified as likely benign based on ACMG/AMP sequence variant interpretation guidelines (Richards et al. 2015 PMID: 25741868, with internal and published modifications).